The following is an entry in ClinVar:

NC_000009.11:g.(?_140907561)_(141016451_?)dup

Gene: CACNA1B (calcium voltage-gated channel subunit alpha1 B; plus strand). Cytogenetic location: 9q34.3.
Variant type: Duplication.
Identifiers: ClinVar variation 2423359 (VCV002423359.4).

ClinVar aggregate classification (germline): Uncertain significance (1 of 4 stars; one submission).

Submission:

Labcorp Genetics (formerly Invitae), Labcorp
Classification: Uncertain significance. Last evaluated: 2022-05-16. Review status: criteria provided, single submitter. Criteria: Invitae Variant Classification Sherloc (09022015). Collection method: clinical testing. Allele origin: germline.
Comment: In summary, the available evidence is currently insufficient to determine the role of this variant in disease. Therefore, it has been classified as a Variant of Uncertain Significance. Experimental studies and prediction algorithms are not available or were not evaluated, and the functional significance of this variant is currently unknown. This variant has not been reported in the literature in individuals affected with CACNA1B-related conditions. This variant results in a copy number gain of the genomic region encompassing exon(s) 18-47 of the CACNA1B gene. This region includes the termination codon of the gene. This copy number gain extends beyond the assayed region for this gene and therefore may encompass additional genes. As the precise location of this event is unknown, it may be in tandem or it may be located elsewhere in the genome.